The following is an entry in ClinVar:

NM_014550.4(CARD10):c.1258C>T (p.Arg420Cys)

Gene: CARD10 (caspase recruitment domain family member 10; minus strand). Cytogenetic location: 22q13.1.
Variant type: single nucleotide variant.
Coding change: c.1258C>T on transcript NM_014550.4 (MANE Select); coding-DNA position 1258, C replaced by T.
Protein change: p.Arg420Cys; replaces arginine 420 with cysteine.
Molecular consequence: missense variant.
Genome position (GRCh38, 1-based): chr22:37,506,317, G>A on the plus strand (C>T on the coding strand, the complement: CARD10 is on the minus strand). VCF-style: chr22-37506317-G-A. GRCh37 (hg19) VCF-style: chr22-37902324-G-A.
Other names: short protein forms R420C.
Identifiers: ClinVar variation 1326845 (VCV001326845.2), dbSNP rs748488870, ClinGen allele CA324137697.

ClinVar aggregate classification (germline): Likely pathogenic. Review status: criteria provided, single submitter (1 of 4 stars). 2 submissions from 2 submitters: Likely pathogenic (1). 1 of the submissions does not count toward it. Last evaluated 2025-09-15.

Conditions:
Immunodeficiency 89 and autoimmunity. Identifiers: MedGen C5562027, MONDO:0030484, OMIM 619632.

gnomAD v4.1: 2 of 1,610,014 alleles (0.00012%); highest among the groups gnomAD compares: Non-Finnish European, 0.000085%; no homozygotes.

Submissions (2):

First Genomix Gene Laboratory, Genetic Diagnostics Department
Classification: Likely pathogenic for Immunodeficiency 89 and autoimmunity. Last evaluated: 2025-09-15. Review status: criteria provided, single submitter. Criteria: ACMG Guidelines, 2015. Collection method: clinical testing. Allele origin: germline. Inheritance: Autosomal recessive inheritance. Affected: no. Observed: 1 variant allele.

OMIM
Classification: Pathogenic for IMMUNODEFICIENCY 89 AND AUTOIMMUNITY (1 family). Last evaluated: 2026-10-26. Review status: no assertion criteria provided. Collection method: literature only. Allele origin: germline. Not counted in ClinVar's aggregate classification.

Literature cited by the submitters: PubMed 32238915 (cited by OMIM).